The following is an entry in ClinVar:

NM_000059.4(BRCA2):c.6067G>T (p.Asp2023Tyr)

Gene: BRCA2 (BRCA2 DNA repair associated; plus strand). Cytogenetic location: 13q13.1.
Variant type: single nucleotide variant.
Coding change: c.6067G>T on transcript NM_000059.4 (MANE Select); coding-DNA position 6067, G replaced by T.
Protein change: p.Asp2023Tyr; replaces aspartic acid 2023 with tyrosine.
Molecular consequence: missense variant.
Genome position (GRCh38, 1-based): chr13:32,340,422, G>T. VCF-style: chr13-32340422-G-T. GRCh37 (hg19) VCF-style: chr13-32914559-G-T.
Other names: short protein forms D2023Y.
Identifiers: ClinVar variation 574323 (VCV000574323.10), dbSNP rs1478738690, ClinGen allele CA387787953.
Genomic context (GRCh38, chr13:32,340,422, plus strand): 5'-ATAGAAGATAGTACCAAGCAAGTCTTTTCCAAAGTATTGTTTAAAAGTAACGAACATTCA[G>T]ACCAGCTCACAAGAGAAGAAAATACTGCTATACGTACTCCAGAACATTTAATATCCCAAA-3'
Protein context (NP_000050.3, residues 2013-2033): KVLFKSNEHS[Asp2023Tyr]QLTREENTAI

ClinVar aggregate classification (germline): Conflicting classifications of pathogenicity. Review status: criteria provided, conflicting classifications (1 of 4 stars). 2 submissions from 2 submitters: Uncertain significance (1); Likely benign (1). Last evaluated 2023-03-23.

Conditions:
Hereditary cancer-predisposing syndrome. Also called: Neoplastic Syndromes, Hereditary; Hereditary Cancer Syndrome; Tumor predisposition; Hereditary neoplastic syndrome. Identifiers: Orphanet 140162, MedGen C0027672, MeSH D009386, MONDO:0015356.
Hereditary breast ovarian cancer syndrome. Also called: BRCA1- and BRCA2-Associated Hereditary Breast and Ovarian Cancer; Hereditary breast and ovarian cancer; Hereditary breast and/or ovarian cancer syndrome; Hereditary breast and ovarian cancer syndrome; Hereditary breast and ovarian cancer syndrome (HBOC); Breast and ovarian cancer. Identifiers: Orphanet 145, MedGen C0677776, MeSH D061325, MONDO:0003582. Disease mechanism: loss of function.

Submissions (2):

University of Washington Department of Laboratory Medicine, University of Washington
Classification: Likely benign for Hereditary cancer-predisposing syndrome. Last evaluated: 2023-03-23. Review status: criteria provided, single submitter. Criteria: Dines et al. (Genet Med. 2020). Collection method: curation. Allele origin: germline.
Comment: Missense variant in a coldspot region where missense variants are very unlikely to be pathogenic (PMID:31911673).

BRCA2 exon 11 coldspot. Reclassification based on statistical prior probability.

Labcorp Genetics (formerly Invitae), Labcorp
Classification: Uncertain significance for Hereditary breast ovarian cancer syndrome. Last evaluated: 2018-01-08. Review status: criteria provided, single submitter. Criteria: Invitae Variant Classification Sherloc (09022015). Collection method: clinical testing. Allele origin: germline.
Comment: Algorithms developed to predict the effect of missense changes on protein structure and function do not agree on the potential impact of this missense change (SIFT: "Deleterious"; PolyPhen-2: "Probably Damaging"; Align-GVGD: "Class C0"). This sequence change replaces aspartic acid with tyrosine at codon 2023 of the BRCA2 protein (p.Asp2023Tyr). The aspartic acid residue is weakly conserved and there is a large physicochemical difference between aspartic acid and tyrosine. This variant is not present in population databases (ExAC no frequency). This variant has not been reported in the literature in individuals with BRCA2-related disease. In summary, the available evidence is currently insufficient to determine the role of this variant in disease. Therefore, it has been classified as a Variant of Uncertain Significance.